The following is an entry in ClinVar:

ClinVar aggregate classification (germline): Pathogenic (0 of 4 stars; one submission).

Submission:

Quest Diagnostics Nichols Institute San Juan Capistrano
Classification: Pathogenic. Last evaluated: 2021-01-20. Review status: no assertion criteria provided. Collection method: clinical testing. Allele origin: germline.
Comment: The copy number loss of 10p12.1 involves multiple coding genes, including the entire WAC (OMIM 615049) and the entire ANKRD26 (OMIM 610855), and is expected to cause phenotypic and/or developmental abnormalities. Haploinsufficiency of WAC is associated with autosomal dominant DeSanto-Shinawi syndrome (OMIM 616708; Yuen et al., Nat Neurosci. 2017 Apr;20(4):602-611. PMID: 28263302), a rare neurodevelopmental disorder characterized by global developmental delay apparent in infancy or early childhood and associated with characteristic dysmorphic facial features, such as broad forehead, depressed nasal bridge with bulbous nasal tip, and deep-set eyes. A smaller de novo deletion (1.39 Mb) within the current deleted interval, involving WAC gene has been reported in a patient with intellectual disability, abnormal behavior, motor and speech delay, febrile seizures, sleep disturbance, constipation and distinct dysmorphic features including coarse facies with midface retrusion, frontal bossing, synophrys, deep-set eyes, downslanting palpebral fissures, epicanthus, wide nasal bridge with bulbous nasal tip, left preauricular pit, full cheeks, and wide mouth. WAC has been suggested to be the main candidate gene for intellectual disability associated with 10 p11-p12 deletions reported in the literature (Abdelhedi et al., Am J Med Genet A. 2016 Jul;170(7):1912-7. PMID: 27119754). Heterozygous pathogenic sequence variants of ANKRD26 are associated with autosomal dominant nonsyndromic thrombocytopenia-2 (OMIM 188000), characterized by decreased numbers of normal platelets, resulting in a mild bleeding tendency. However, gain-of-function has been proposed as the disease-causing machenism. Additionally, this deletion interval involves multiple genes associated with autosomal recessive phenotypes: YME1L1 (OMIM 617302), ACBD5 (OMIM 618863), RAB18 (OMIM 614222), and ARMC4 (OMIM 615451).

GRCh37/hg19 10p12.1(chr10:27204530-29105882)x1

Genes: ACBD5 (acyl-CoA binding domain containing 5; minus strand), ANKRD26 (ankyrin repeat domain containing 26; minus strand), BAMBI (BMP and activin membrane bound inhibitor; plus strand), MASTL (microtubule associated serine/threonine kinase like; plus strand), MKX (mohawk homeobox; minus strand) and 6 more. Cytogenetic location: 10p12.1.
Variant type: copy number loss.
Change: copy number 1 (one copy instead of two) of chr10:27,204,530-29,105,882 (1.90 Mb, GRCh37 coordinates, 1-based), cytogenetic band 10p12.1.
Identifiers: ClinVar variation 1340583 (VCV001340583.1).